The following is an entry in ClinVar:

NM_002528.7(NTHL1):c.509C>T (p.Pro170Leu)

Gene: NTHL1 (nth like DNA glycosylase 1; minus strand). Cytogenetic location: 16p13.3.
Variant type: single nucleotide variant.
Coding change: c.509C>T on transcript NM_002528.7 (MANE Select); coding-DNA position 509, C replaced by T.
Protein change: p.Pro170Leu; replaces proline 170 with leucine.
Molecular consequence: missense variant. On other transcripts: intron variant (1).
Genome position (GRCh38, 1-based): chr16:2,044,646, G>A on the plus strand (C>T on the coding strand, the complement: NTHL1 is on the minus strand). VCF-style: chr16-2044646-G-A. GRCh37 (hg19) VCF-style: chr16-2094647-G-A.
Other names: c.179C>T, p.Pro60Leu (NM_001318194.2); c.355-920C>T (NM_001318193.2); short protein forms P170L, P60L.
Identifiers: ClinVar variation 1037484 (VCV001037484.10), dbSNP rs2084316397, ClinGen allele CA394294106.

ClinVar aggregate classification (germline): Uncertain significance. Review status: criteria provided, multiple submitters, no conflicts (2 of 4 stars). 2 submissions from 2 submitters: Uncertain significance (2). Last evaluated 2026-01-04.

Conditions:
Hereditary cancer-predisposing syndrome. Also called: Neoplastic Syndromes, Hereditary; Hereditary Cancer Syndrome; Tumor predisposition; Hereditary neoplastic syndrome. Identifiers: Orphanet 140162, MedGen C0027672, MeSH D009386, MONDO:0015356.

Allele frequency attached by ClinVar (database versions not stated): gnomAD exomes below 0.00001.
gnomAD v4.1: 1 of 1,606,660 alleles (0.000062%); highest among the groups gnomAD compares: African/African-American, 0.0013%; no homozygotes.

Submissions (2):

Labcorp Genetics (formerly Invitae), Labcorp
Classification: Uncertain significance. Last evaluated: 2026-01-04. Review status: criteria provided, single submitter. Criteria: Invitae Variant Classification Sherloc (09022015). Collection method: clinical testing. Allele origin: germline.
Comment: This sequence change replaces proline, which is neutral and non-polar, with leucine, which is neutral and non-polar, at codon 178 of the NTHL1 protein (p.Pro178Leu). This variant is not present in population databases (gnomAD no frequency). This variant has not been reported in the literature in individuals affected with NTHL1-related conditions. ClinVar contains an entry for this variant (Variation ID: 1037484). An algorithm developed to predict the effect of missense changes on protein structure and function (PolyPhen-2) suggests that this variant is likely to be disruptive. In summary, the available evidence is currently insufficient to determine the role of this variant in disease. Therefore, it has been classified as a Variant of Uncertain Significance.

Ambry Genetics
Classification: Uncertain significance for Hereditary cancer-predisposing syndrome. Last evaluated: 2022-07-30. Review status: criteria provided, single submitter. Criteria: Ambry Variant Classification Scheme 2023. Collection method: clinical testing. Allele origin: germline.
Comment: The p.P178L variant (also known as c.533C>T), located in coding exon 3 of the NTHL1 gene, results from a C to T substitution at nucleotide position 533. The proline at codon 178 is replaced by leucine, an amino acid with similar properties. This amino acid position is conserved. In addition, this alteration is predicted to be deleterious by in silico analysis. Since supporting evidence is limited at this time, the clinical significance of this alteration remains unclear.